The following is an entry in ClinVar:

ClinVar aggregate classification (germline): Uncertain significance (1 of 4 stars; one submission).

Conditions:
Gray platelet syndrome (GPS). Also called: BLEEDING DISORDER, PLATELET-TYPE, 4. Identifiers: Orphanet 721, MedGen C0272302, MONDO:0007686, OMIM 139090.

gnomAD v4.1: 14 of 1,612,326 alleles (0.00087%); highest among the groups gnomAD compares: East Asian, 0.018%; no homozygotes.

Submission:

Juno Genomics, Hangzhou Juno Genomics, Inc
Classification: Uncertain significance for Gray platelet syndrome. Review status: criteria provided, single submitter. Criteria: ACMG Guidelines, 2015. Collection method: clinical testing. Allele origin: germline. Affected: yes.
Comment: Absent from controls (or at extremely low frequency if recessive) in Genome Aggregation Database, Exome Sequencing Project, 1000 Genomes Project, or Exome Aggregation Consortium.;Multiple lines of computational evidence suggest no impact on gene or gene product (conservation, evolutionary, splicing impact, etc).

NM_015175.3(NBEAL2):c.713G>A (p.Arg238His)

Gene: NBEAL2 (neurobeachin like 2; plus strand). Cytogenetic location: 3p21.31.
Variant type: single nucleotide variant.
Coding change: c.713G>A on transcript NM_015175.3 (MANE Select); coding-DNA position 713, G replaced by A.
Protein change: p.Arg238His; replaces arginine 238 with histidine.
Molecular consequence: missense variant.
Genome position (GRCh38, 1-based): chr3:46,991,476, G>A. VCF-style: chr3-46991476-G-A. GRCh37 (hg19) VCF-style: chr3-47032966-G-A.
Other names: c.692G>A, p.Arg231His (NM_001365116.2); short protein forms R231H, R238H.
Identifiers: ClinVar variation 3383110 (VCV003383110.2).